The following is an entry in ClinVar:

NM_001164508.2(NEB):c.21560G>C (p.Arg7187Thr)

Genes: NEB (nebulin; minus strand), RIF1 (replication timing regulatory factor 1; plus strand). Cytogenetic location: 2q23.3.
Variant type: single nucleotide variant.
Coding change: c.21560G>C on transcript NM_001164508.2 (MANE Select); coding-DNA position 21560, G replaced by C.
Protein change: p.Arg7187Thr; replaces arginine 7187 with threonine.
Molecular consequence: missense variant.
Genome position (GRCh38, 1-based): chr2:151,531,064, C>G on the plus strand (G>C on the coding strand, the complement: NEB is on the minus strand). VCF-style: chr2-151531064-C-G. GRCh37 (hg19) VCF-style: chr2-152387578-C-G.
Other names: c.21560G>C, p.Arg7187Thr (NM_001164507.2); c.21665G>C, p.Arg7222Thr (NM_001271208.2); c.16457G>C, p.Arg5486Thr (NM_004543.5); short protein forms R7187T, R5486T, R7222T.
Identifiers: ClinVar variation 1992651 (VCV001992651.4), dbSNP rs2552139123, ClinGen allele CA348770318.

ClinVar aggregate classification (germline): Uncertain significance (1 of 4 stars; one submission).

Conditions:
Nemaline myopathy 2 (NEM2). Also called: Nemaline myopathy 2, autosomal recessive. Identifiers: MedGen C1850569, MONDO:0009725, OMIM 256030.

Submission:

Labcorp Genetics (formerly Invitae), Labcorp
Classification: Uncertain significance for Nemaline myopathy 2. Last evaluated: 2022-05-17. Review status: criteria provided, single submitter. Criteria: Invitae Variant Classification Sherloc (09022015). Collection method: clinical testing. Allele origin: germline.
Comment: This sequence change replaces arginine, which is basic and polar, with threonine, which is neutral and polar, at codon 7222 of the NEB protein (p.Arg7222Thr). This variant is not present in population databases (gnomAD no frequency). This variant has not been reported in the literature in individuals affected with NEB-related conditions. Algorithms developed to predict the effect of missense changes on protein structure and function are either unavailable or do not agree on the potential impact of this missense change (SIFT: "Deleterious"; PolyPhen-2: "Not Available"; Align-GVGD: "Class C0"). In summary, the available evidence is currently insufficient to determine the role of this variant in disease. Therefore, it has been classified as a Variant of Uncertain Significance.